The following is an entry in ClinVar:

ClinVar aggregate classification (germline): Conflicting classifications of pathogenicity. Review status: criteria provided, conflicting classifications (1 of 4 stars). 2 submissions from 2 submitters: Likely pathogenic (1); Uncertain significance (1). Last evaluated 2025-07-30.

Conditions:
Thrombophilia, X-linked, due to factor 8 defect. Also called: THROMBOPHILIA, X-LINKED, DUE TO FACTOR VIII DEFECT; Thrombophilia 13, X-linked, due to factor VIII defect. Identifiers: MedGen C5676879, MONDO:0859082, OMIM 301071.
Hereditary factor VIII deficiency disease (HEMA). Also called: Hemophilia A; Hemophilia A, congenital; HEM A; Factor 8 deficiency, congenital; HEMOPHILIA, CLASSIC; AUTOSOMAL HEMOPHILIA A. Identifiers: Orphanet 98878, MedGen C0019069, MONDO:0010602, OMIM 306700.

Allele frequency attached by ClinVar (database versions not stated): TOPMed 0.00002.

Submissions (2):

ARUP Laboratories, Molecular Genetics and Genomics, ARUP Laboratories
Classification: Likely pathogenic. Last evaluated: 2025-07-30. Review status: criteria provided, single submitter. Criteria: ARUP Molecular Germline Variant Investigation Process 2024. Collection method: clinical testing. Allele origin: germline.
Comment: The F8 c.1312A>T; p.Ile438Phe variant (rs1258333672; ClinVar Variation ID: 2920965), also known as Ile419Phe, is reported in the literature in individuals affected with mild to moderate hemophilia A (Johnsen 2017, see link to F8 database and references therein). This variant is absent from the Genome Aggregation Database (v2.1.1), indicating it is not a common polymorphism. Computational analyses predict that this variant is deleterious (REVEL: 0.886). Additionally, another variant at this codon (c.1313T>C; p.Ile438Thr) has been reported in individuals with mild hemophilia A (Guillet 2006, Johnsen 2017, Santacroce 2008, see link to F8 database). Based on available information, the p.Ile438Phe variant is considered to be likely pathogenic. References: Link to F8 Database: Guillet B et al. Detection of 95 novel mutations in coagulation factor VIII gene F8 responsible for hemophilia A: results from a single institution. Hum Mutat. 2006 Jul;27(7):676-85. PMID: 16786531. Johnsen JM et al. Novel approach to genetic analysis and results in 3000 hemophilia patients enrolled in the My Life, Our Future initiative. Blood Adv. 2017 May 18;1(13):824-834. PMID: 29296726. Santacroce R et al. Identification of 217 unreported mutations in the F8 gene in a group of 1,410 unselected Italian patients with hemophilia A. J Hum Genet. 2008;53(3):275-284. PMID: 18217193.

Fulgent Genetics
Classification: Uncertain significance for Thrombophilia, X-linked, due to factor 8 defect; Hereditary factor VIII deficiency disease. Last evaluated: 2024-02-09. Review status: criteria provided, single submitter. Criteria: ACMG Guidelines, 2015. Collection method: clinical testing. Allele origin: germline.

NM_000132.4(F8):c.1312A>T (p.Ile438Phe)

Gene: F8 (coagulation factor VIII; minus strand). Cytogenetic location: Xq28.
Variant type: single nucleotide variant.
Coding change: c.1312A>T on transcript NM_000132.4 (MANE Select); coding-DNA position 1312, A replaced by T.
Protein change: p.Ile438Phe; replaces isoleucine 438 with phenylalanine.
Molecular consequence: missense variant.
Genome position (GRCh38, 1-based): chrX:154,966,101, T>A on the plus strand (A>T on the coding strand, the complement: F8 is on the minus strand). VCF-style: chrX-154966101-T-A. GRCh37 (hg19) VCF-style: chrX-154194376-T-A.
Other names: c.1312A>T (NM_000132.3); short protein forms I438F.
Identifiers: ClinVar variation 2920965 (VCV002920965.3), dbSNP rs1258333672, ClinGen allele CA414915142.